The following is an entry in ClinVar:

ClinVar aggregate classification (germline): Likely pathogenic (1 of 4 stars; one submission).

Submission:

Mayo Clinic Laboratories, Mayo Clinic
Classification: Likely pathogenic. Last evaluated: 2022-02-11. Review status: criteria provided, single submitter. Criteria: ACMG Guidelines, 2015. Collection method: clinical testing. Allele origin: germline. Observed: 1 variant allele.
Comment: PP3, PM1, PM2, PM5

NM_000313.4(PROS1):c.1954G>T (p.Asp652Tyr)

Gene: PROS1 (protein S; minus strand). Cytogenetic location: 3q11.1.
Variant type: single nucleotide variant.
Coding change: c.1954G>T on transcript NM_000313.4 (MANE Select); coding-DNA position 1954, G replaced by T.
Protein change: p.Asp652Tyr; replaces aspartic acid 652 with tyrosine.
Molecular consequence: missense variant.
Genome position (GRCh38, 1-based): chr3:93,874,322, C>A on the plus strand (G>T on the coding strand, the complement: PROS1 is on the minus strand). VCF-style: chr3-93874322-C-A. GRCh37 (hg19) VCF-style: chr3-93593166-C-A.
Other names: p.Asp652Tyr; c.2050G>T, p.Asp684Tyr (NM_001314077.2); short protein forms D652Y, D684Y.
Identifiers: ClinVar variation 2683269 (VCV002683269.1), dbSNP rs2472099899, ClinGen allele CA353669698.